The following is an entry in ClinVar:

NM_004369.4(COL6A3):c.8965+252T>C

Gene: COL6A3 (collagen type VI alpha 3 chain; minus strand). Cytogenetic location: 2q37.3.
Variant type: single nucleotide variant.
Coding change: c.8965+252T>C on transcript NM_004369.4 (MANE Select); 252 bases into the intron after coding-DNA position 8965, T replaced by C.
Molecular consequence: intron variant.
Genome position (GRCh38, 1-based): chr2:237,335,883, A>G on the plus strand (T>C on the coding strand, the complement: COL6A3 is on the minus strand). VCF-style: chr2-237335883-A-G. GRCh37 (hg19) VCF-style: chr2-238244526-A-G.
Other names: c.7144+252T>C (NM_057166.5); c.8347+252T>C (NM_057167.4).
Identifiers: ClinVar variation 671312 (VCV000671312.2), dbSNP rs11687877, ClinGen allele CA11312596.

ClinVar aggregate classification (germline): Benign. Review status: criteria provided, multiple submitters, no conflicts (2 of 4 stars). 2 submissions from 2 submitters: Benign (2). Last evaluated 2018-06-16.

Allele frequency attached by ClinVar (database versions not stated): TOPMed 0.06850; gnomAD 0.07179 and 0.07283; 1000 Genomes Project 30x 0.04560; 1000 Genomes Project 0.04633.
gnomAD v4.1: 10,979 of 152,246 alleles (7.2%); highest among the groups gnomAD compares: Non-Finnish European, 10%; 494 homozygotes.

Submissions (2):

GeneDx
Classification: Benign. Last evaluated: 2018-06-16. Review status: criteria provided, single submitter. Criteria: GeneDx Variant Classification (06012015). Collection method: clinical testing. Allele origin: germline. Affected: yes.
Comment: This variant is considered likely benign or benign based on one or more of the following criteria: it is a conservative change, it occurs at a poorly conserved position in the protein, it is predicted to be benign by multiple in silico algorithms, and/or has population frequency not consistent with disease.

Breakthrough Genomics
Classification: Benign. Review status: criteria provided, single submitter. Criteria: ACMG Guidelines, 2015. Collection method: not provided. Allele origin: germline. Inheritance: Autosomal recessive inheritance. Affected: yes.